The following is an entry in ClinVar:

NM_000306.4(POU1F1):c.224C>A (p.Thr75Asn)

Gene: POU1F1 (POU class 1 homeobox 1; minus strand). Cytogenetic location: 3p11.2.
Variant type: single nucleotide variant.
Coding change: c.224C>A on transcript NM_000306.4 (MANE Select); coding-DNA position 224, C replaced by A.
Protein change: p.Thr75Asn; replaces threonine 75 with asparagine.
Molecular consequence: missense variant.
Genome position (GRCh38, 1-based): chr3:87,264,503, G>T on the plus strand (C>A on the coding strand, the complement: POU1F1 is on the minus strand). VCF-style: chr3-87264503-G-T. GRCh37 (hg19) VCF-style: chr3-87313653-G-T.
Other names: c.302C>A, p.Thr101Asn (NM_001122757.3); short protein forms T75N, T101N.
Identifiers: ClinVar variation 2854184 (VCV002854184.8), dbSNP rs201065285, ClinGen allele CA2501239.

ClinVar aggregate classification (germline): Conflicting classifications of pathogenicity. Review status: criteria provided, conflicting classifications (1 of 4 stars). 3 submissions from 3 submitters: Uncertain significance (1); Likely benign (2). Last evaluated 2026-02-02.

Allele frequency attached by ClinVar (database versions not stated): gnomAD exomes 0.00008; TOPMed 0.00018; gnomAD 0.00020; ExAC 0.00043; 1000 Genomes Project 30x 0.00156; 1000 Genomes Project 0.00180.
gnomAD v4.1: 211 of 1,591,462 alleles (0.013%); highest among the groups gnomAD compares: East Asian, 0.3%; 2 homozygotes.

Submissions (3):

Labcorp Genetics (formerly Invitae), Labcorp
Classification: Likely benign. Last evaluated: 2026-02-02. Review status: criteria provided, single submitter. Criteria: Invitae Variant Classification Sherloc (09022015). Collection method: clinical testing. Allele origin: germline.

Women's Health and Genetics/Laboratory Corporation of America, LabCorp
Classification: Likely benign. Last evaluated: 2025-01-23. Review status: criteria provided, single submitter. Criteria: LabCorp Variant Classification Summary - May 2015. Collection method: clinical testing. Allele origin: germline.
Comment: Variant summary: POU1F1 c.224C>A (p.Thr75Asn) results in a non-conservative amino acid change in the encoded protein sequence. Three of five in-silico tools predict a damaging effect of the variant on protein function. The variant allele was found at a frequency of 0.0005 in 250938 control chromosomes, predominantly at a frequency of 0.0064 within the East Asian subpopulation in the gnomAD database. The observed variant frequency within East Asian control individuals in the gnomAD database exceeds the estimated maximal expected allele frequency for a pathogenic variant in POU1F1 causing &phenotype& phenotype. To our knowledge, no occurrence of c.224C>A in individuals affected with &phenotype& and no experimental evidence demonstrating its impact on protein function have been reported. ClinVar contains an entry for this variant (Variation ID: 2854184). Based on the evidence outlined above, the variant was classified as likely benign.

Blueprint Genetics
Classification: Uncertain significance. Last evaluated: 2024-06-06. Review status: criteria provided, single submitter. Criteria: ACMG Guidelines, 2015. Collection method: clinical testing. Allele origin: germline.